The following is an entry in ClinVar:

ClinVar aggregate classification (germline): Benign/Likely benign. Review status: criteria provided, multiple submitters, no conflicts (2 of 4 stars). 11 submissions from 9 submitters: Benign (5); Likely benign (6). Last evaluated 2026-05-21.

Conditions:
Connective tissue disorder. Also called: Connective tissue disease. Identifiers: MedGen C0009782, MONDO:0003900.
Otospondylomegaepiphyseal dysplasia, autosomal recessive (OSMEDB). Also called: CHONDRODYSTROPHY WITH SENSORINEURAL DEAFNESS; Insley-Astley syndrome. Identifiers: Orphanet 1427, MedGen CN034493, MONDO:0044206, OMIM 215150.
Fibrochondrogenesis 2 (FBCG2). Identifiers: Orphanet 2021, MedGen C3281128, MONDO:0013795, OMIM 614524.
Otospondylomegaepiphyseal dysplasia, autosomal dominant (OSMEDA). Also called: Pierre Robin syndrome with fetal chondrodysplasia; Stickler syndrome, type 3; COL11A2-Related Stickler Syndrome. Identifiers: Orphanet 166100, Orphanet 3450, MedGen C1848488, MONDO:0008490, OMIM 184840.

Allele frequency attached by ClinVar (database versions not stated): 1000 Genomes Project 30x 0.00593; gnomAD 0.00469 and 0.00515; 1000 Genomes Project 0.00479; TOPMed 0.00557; gnomAD exomes 0.00054 and 0.00111; ExAC 0.00190; ESP Exome Variant Server 0.00424.
gnomAD v4.1: 1,518 of 1,596,552 alleles (0.095%); highest among the groups gnomAD compares: African/African-American, 1.6%; 16 homozygotes.

Submissions (11):

Women's Health and Genetics/Laboratory Corporation of America, LabCorp
Classification: Likely benign. Last evaluated: 2026-05-21. Review status: criteria provided, single submitter. Criteria: LabCorp Variant Classification Summary - May 2015. Collection method: clinical testing. Allele origin: germline.
Comment: Variant summary: COL11A2 c.3860A>G (p.Asp1287Gly) results in a non-conservative amino acid change in the encoded protein sequence. Algorithms developed to predict the effect of missense changes on protein structure and function all suggest that this variant is likely to be disruptive. The variant allele was found at a frequency of 0.0011 in 219958 control chromosomes, predominantly at a frequency of 0.016 within the African or African-American subpopulation in the gnomAD database. The observed variant frequency within African or African-American control individuals in the gnomAD database exceeds the estimated maximal expected allele frequency for disease-causing variants in COL11A2. To our knowledge, no occurrence of c.3860A>G in individuals affected with COL11A2-related conditions and no experimental evidence demonstrating its impact on protein function have been reported. ClinVar contains an entry for this variant (Variation ID: 178323). Based on the evidence outlined above, the variant was classified as likely benign.

Labcorp Genetics (formerly Invitae), Labcorp
Classification: Benign. Last evaluated: 2026-02-01. Review status: criteria provided, single submitter. Criteria: Invitae Variant Classification Sherloc (09022015). Collection method: clinical testing. Allele origin: germline.

Blueprint Genetics
Classification: Likely benign. Last evaluated: 2024-11-12. Review status: criteria provided, single submitter. Criteria: ACMG Guidelines, 2015. Collection method: clinical testing. Allele origin: germline.

ARUP Laboratories, Molecular Genetics and Genomics, ARUP Laboratories
Classification: Likely benign. Last evaluated: 2024-06-21. Review status: criteria provided, single submitter. Criteria: ARUP Molecular Germline Variant Investigation Process 2024. Collection method: clinical testing. Allele origin: germline.

Genome Diagnostics Laboratory, The Hospital for Sick Children
Classification: Likely benign for Connective tissue disorder. Last evaluated: 2020-03-01. Review status: criteria provided, single submitter. Criteria: ACMG Guidelines, 2015. Collection method: clinical testing. Allele origin: germline.

GeneDx
Classification: Benign. Last evaluated: 2018-05-02. Review status: criteria provided, single submitter. Criteria: GeneDx Variant Classification (06012015). Collection method: clinical testing. Allele origin: germline. Affected: yes.
Comment: This variant is considered likely benign or benign based on one or more of the following criteria: it is a conservative change, it occurs at a poorly conserved position in the protein, it is predicted to be benign by multiple in silico algorithms, and/or has population frequency not consistent with disease.

Illumina Laboratory Services, Illumina
Classification: Benign for Otospondylomegaepiphyseal dysplasia, autosomal recessive. Last evaluated: 2018-01-13. Review status: criteria provided, single submitter. Criteria: ICSL Variant Classification Criteria 13 December 2019. Collection method: clinical testing. Allele origin: germline.
Comment: This variant was observed in the ICSL laboratory as part of a predisposition screen in an ostensibly healthy population. It had not been previously curated by ICSL or reported in the Human Gene Mutation Database (HGMD: prior to June 1st, 2018), and was therefore a candidate for classification through an automated scoring system. Utilizing variant allele frequency, disease prevalence and penetrance estimates, and inheritance mode, an automated score was calculated to assess if this variant is too frequent to cause the disease. Based on the score and internal cut-off values, a variant classified as benign is not then subjected to further curation. The score for this variant resulted in a classification of benign for this disease.

Illumina Laboratory Services, Illumina
Classification: Benign for Fibrochondrogenesis 2. Last evaluated: 2018-01-13. Review status: criteria provided, single submitter. Criteria: ICSL Variant Classification Criteria 13 December 2019. Collection method: clinical testing. Allele origin: germline.
Comment: the same text as in the submission from Illumina Laboratory Services, Illumina above.

Illumina Laboratory Services, Illumina
Classification: Likely benign for Otospondylomegaepiphyseal dysplasia, autosomal dominant. Last evaluated: 2018-01-13. Review status: criteria provided, single submitter. Criteria: ICSL Variant Classification Criteria 13 December 2019. Collection method: clinical testing. Allele origin: germline.
Comment: This variant was observed in the ICSL laboratory as part of a predisposition screen in an ostensibly healthy population. It had not been previously curated by ICSL or reported in the Human Gene Mutation Database (HGMD: prior to June 1st, 2018), and was therefore a candidate for classification through an automated scoring system. Utilizing variant allele frequency, disease prevalence and penetrance estimates, and inheritance mode, an automated score was calculated to assess if this variant is too frequent to cause the disease. Based on the score and internal cut-off values, a variant classified as likely benign is not then subjected to further curation. The score for this variant resulted in a classification of likely benign for this disease.

Laboratory for Molecular Medicine, Mass General Brigham Personalized Medicine
Classification: Benign. Last evaluated: 2012-04-30. Review status: criteria provided, single submitter. Criteria: LMM Criteria. Collection method: clinical testing. Allele origin: germline. Observed: 5 variant alleles.
Comment: Asp1287Gly in Exon 53 of COL11A2: This variant is not expected to have clinical significance because it has been identified in 1.2% (45/3724) of African America n chromosomes from a broad population by the NHLBI Exome Sequencing Project (dbSNP rs142962835).

Breakthrough Genomics
Classification: Likely benign. Review status: criteria provided, single submitter. Criteria: ACMG Guidelines, 2015. Collection method: not provided. Allele origin: germline. Inheritance: Autosomal recessive inheritance. Affected: yes.

NM_080680.3(COL11A2):c.3860A>G (p.Asp1287Gly)

Gene: COL11A2 (collagen type XI alpha 2 chain; minus strand). Cytogenetic location: 6p21.32.
Variant type: single nucleotide variant.
Coding change: c.3860A>G on transcript NM_080680.3 (MANE Select); coding-DNA position 3860, A replaced by G.
Protein change: p.Asp1287Gly; replaces aspartic acid 1287 with glycine.
Molecular consequence: missense variant.
Genome position (GRCh38, 1-based): chr6:33,168,752, T>C on the plus strand (A>G on the coding strand, the complement: COL11A2 is on the minus strand). VCF-style: chr6-33168752-T-C. GRCh37 (hg19) VCF-style: chr6-33136529-T-C.
Other names: c.3539A>G, p.Asp1180Gly (NM_080679.3); c.3602A>G, p.Asp1201Gly (NM_080681.3); short protein forms D1287G, D1201G, D1180G.
Identifiers: ClinVar variation 178323 (VCV000178323.24), dbSNP rs142962835, ClinGen allele CA182109.